The following is an entry in ClinVar:

NM_000274.4(OAT):c.773T>A (p.Val258Asp)

Gene: OAT (ornithine aminotransferase; minus strand). Cytogenetic location: 10q26.13.
Variant type: single nucleotide variant.
Coding change: c.773T>A on transcript NM_000274.4 (MANE Select); coding-DNA position 773, T replaced by A.
Protein change: p.Val258Asp; replaces valine 258 with aspartic acid.
Molecular consequence: missense variant.
Genome position (GRCh38, 1-based): chr10:124,403,054, A>T on the plus strand (T>A on the coding strand, the complement: OAT is on the minus strand). VCF-style: chr10-124403054-A-T. GRCh37 (hg19) VCF-style: chr10-126091623-A-T.
Other names: c.359T>A, p.Val120Asp (NM_001171814.2); c.773T>A, p.Val258Asp (NM_001322965.2, NM_001322966.2, NM_001322967.2 and 3 more transcripts); c.452T>A, p.Val151Asp (NM_001322971.2); c.173T>A, p.Val58Asp (NM_001322974.2); short protein forms V58D, V120D, V151D, V258D.
Identifiers: ClinVar variation 2044543 (VCV002044543.7), dbSNP rs746547714, ClinGen allele CA5733416.
Genomic context (GRCh38, chr10:124,403,054, plus strand): 5'-ACAGCCAGCCATCTACCAGTTCTGGCCAATCCTGTCTGTATTTCATCAGCAATAAAGAGA[A>T]CCTATTGGGGAAAAAAAATACCCCTATTAGTGATCACTTTCGTTTCCACAGGGAAAATAG-3'
Protein context (NP_000265.1, residues 248-268): GVRELCTRHQ[Val258Asp]LFIADEIQTG

ClinVar aggregate classification (germline): Uncertain significance. Review status: criteria provided, multiple submitters, no conflicts (2 of 4 stars). 3 submissions from 3 submitters: Uncertain significance (3). Last evaluated 2025-04-01.

Conditions:
Inborn genetic diseases. Identifiers: MedGen C0950123, MeSH D030342.
Ornithine aminotransferase deficiency (GACR). Also called: OKT DEFICIENCY; OAT DEFICIENCY; Ornithine ketoacid aminotransferase deficiency; Gyrate atrophy; Gyrate atrophy of choroid and retina; Girate atrophy of the retina. Identifiers: Orphanet 414, MedGen C0018425, MONDO:0009796, OMIM 258870.

Allele frequency attached by ClinVar (database versions not stated): gnomAD exomes 0.00006; ExAC 0.00001; gnomAD 0.00004; TOPMed 0.00003.
gnomAD v4.1: 94 of 1,613,834 alleles (0.0058%); highest among the groups gnomAD compares: Non-Finnish European, 0.0077%; no homozygotes.

Submissions (3):

Ambry Genetics
Classification: Uncertain significance for Inborn genetic diseases. Last evaluated: 2025-04-01. Review status: criteria provided, single submitter. Criteria: Ambry Variant Classification Scheme 2023. Collection method: clinical testing. Allele origin: germline.

Labcorp Genetics (formerly Invitae), Labcorp
Classification: Uncertain significance for Ornithine aminotransferase deficiency. Last evaluated: 2024-09-09. Review status: criteria provided, single submitter. Criteria: Invitae Variant Classification Sherloc (09022015). Collection method: clinical testing. Allele origin: germline.
Comment: This sequence change replaces valine, which is neutral and non-polar, with aspartic acid, which is acidic and polar, at codon 258 of the OAT protein (p.Val258Asp). This variant is present in population databases (rs746547714, gnomAD 0.007%). This variant has not been reported in the literature in individuals affected with OAT-related conditions. ClinVar contains an entry for this variant (Variation ID: 2044543). An algorithm developed to predict the effect of missense changes on protein structure and function (PolyPhen-2) suggests that this variant is likely to be disruptive. In summary, the available evidence is currently insufficient to determine the role of this variant in disease. Therefore, it has been classified as a Variant of Uncertain Significance.

Revvity Omics, Revvity
Classification: Uncertain significance for Ornithine aminotransferase deficiency. Last evaluated: 2020-10-03. Review status: criteria provided, single submitter. Criteria: ACMG Guidelines, 2015. Collection method: clinical testing. Allele origin: germline.